The following is an entry in ClinVar:

NM_006017.3(PROM1):c.1405C>A (p.Pro469Thr)

Gene: PROM1 (prominin 1; minus strand). Cytogenetic location: 4p15.32.
Variant type: single nucleotide variant.
Coding change: c.1405C>A on transcript NM_006017.3 (MANE Select); coding-DNA position 1405, C replaced by A.
Protein change: p.Pro469Thr; replaces proline 469 with threonine.
Molecular consequence: missense variant.
Genome position (GRCh38, 1-based): chr4:16,006,587, G>T on the plus strand (C>A on the coding strand, the complement: PROM1 is on the minus strand). VCF-style: chr4-16006587-G-T. GRCh37 (hg19) VCF-style: chr4-16008210-G-T.
Other names: c.1405C>A (NM_006017.2); c.1378C>A, p.Pro460Thr (NM_001145847.2, NM_001145848.2, NM_001145851.2 and 4 more transcripts); c.1405C>A, p.Pro469Thr (NM_001145849.2, NM_001145850.2); short protein forms P469T, P460T.
Identifiers: ClinVar variation 1499539 (VCV001499539.9), dbSNP rs751216717, ClinGen allele CA2866781.
Genomic context (GRCh38, chr4:16,006,587, plus strand): 5'-CAGACACTCACACCATGAGGAAGACGCCTCCGGTGTTGGAGACACAGCCTCGGGTGGTCG[G>T]GGTGGCATGCCTGTCATAGCCGCACACGCCACACAGTAAGCCCAGGTAGTAAAAAATCAC-3'
Protein context (NP_006008.1, residues 459-479): GVCGYDRHAT[Pro469Thr]TTRGCVSNTG

ClinVar aggregate classification (germline): Uncertain significance. Review status: criteria provided, multiple submitters, no conflicts (2 of 4 stars). 4 submissions from 4 submitters: Uncertain significance (4). Last evaluated 2026-06-18.

Conditions:
Inborn genetic diseases. Identifiers: MedGen C0950123, MeSH D030342.
PROM1-related disorder. Also called: PROM1-related condition; PROM1-related disorders.

Allele frequency attached by ClinVar (database versions not stated): gnomAD exomes 0.00001 and 0.00003; TOPMed 0.00001; ExAC 0.00008.
gnomAD v4.1: 22 of 1,605,586 alleles (0.0014%); highest among the groups gnomAD compares: South Asian, 0.016%; 1 homozygote.

Submissions (4):

PreventionGenetics, part of Exact Sciences
Classification: Uncertain significance for PROM1-related condition. Last evaluated: 2026-06-18. Review status: criteria provided, single submitter. Criteria: ACMG Guidelines, 2015. Collection method: clinical testing. Allele origin: germline.
Comment: The PROM1 c.1405C>A variant is predicted to result in the amino acid substitution p.Pro469Thr. This variant has been reported in the compound heterozygous state in an individual with macular dystrophy and nyctalopia (D'Esposito et al. 2025. PubMedID: 41300751). This variant is reported in 0.021% of alleles in individuals of South Asian descent in gnomAD. At this time, the clinical significance of this variant is uncertain due to the absence of conclusive functional and genetic evidence.

Labcorp Genetics (formerly Invitae), Labcorp
Classification: Uncertain significance. Last evaluated: 2025-06-23. Review status: criteria provided, single submitter. Criteria: Invitae Variant Classification Sherloc (09022015). Collection method: clinical testing. Allele origin: germline.
Comment: This sequence change replaces proline, which is neutral and non-polar, with threonine, which is neutral and polar, at codon 469 of the PROM1 protein (p.Pro469Thr). This variant is present in population databases (rs751216717, gnomAD 0.02%). This variant has not been reported in the literature in individuals affected with PROM1-related conditions. ClinVar contains an entry for this variant (Variation ID: 1499539). Invitae Evidence Modeling of protein sequence and biophysical properties (such as structural, functional, and spatial information, amino acid conservation, physicochemical variation, residue mobility, and thermodynamic stability) indicates that this missense variant is expected to disrupt PROM1 protein function with a positive predictive value of 80%. In summary, the available evidence is currently insufficient to determine the role of this variant in disease. Therefore, it has been classified as a Variant of Uncertain Significance.

Blueprint Genetics
Classification: Uncertain significance. Last evaluated: 2024-06-03. Review status: criteria provided, single submitter. Criteria: ACMG Guidelines, 2015. Collection method: clinical testing. Allele origin: germline.

Ambry Genetics
Classification: Uncertain significance for Inborn genetic diseases. Last evaluated: 2023-10-17. Review status: criteria provided, single submitter. Criteria: Ambry Variant Classification Scheme 2023. Collection method: clinical testing. Allele origin: germline.